The following is an entry in ClinVar:

ClinVar aggregate classification (germline): Benign (1 of 4 stars; one submission).

Conditions:
X-linked lymphoproliferative disease due to SH2D1A deficiency (XLP1). Also called: EBV infection severe susceptibility to; Epstein Barr virus infection familial fatal; Duncan's syndrome; DUNCAN DISEASE; IMMUNODEFICIENCY 5; IMMUNODEFICIENCY, X-LINKED PROGRESSIVE COMBINED VARIABLE. Identifiers: Orphanet 2442, Orphanet 538931, MedGen C5399825, MONDO:0024551, OMIM 308240.

Allele frequency attached by ClinVar (database versions not stated): gnomAD 0.00034 and 0.00003; 1000 Genomes Project 0.00132; 1000 Genomes Project 30x 0.00333; TOPMed 0.00011; gnomAD exomes 0.00020.
gnomAD v4.1: 64 of 236,756 alleles (0.027%); highest among the groups gnomAD compares: South Asian, 1.4%; 1 homozygote.

Submission:

Illumina Laboratory Services, Illumina
Classification: Benign for X-linked lymphoproliferative disease due to SH2D1A deficiency. Last evaluated: 2018-01-13. Review status: criteria provided, single submitter. Criteria: ICSL Variant Classification Criteria 13 December 2019. Collection method: clinical testing. Allele origin: germline.
Comment: This variant was observed in the ICSL laboratory as part of a predisposition screen in an ostensibly healthy population. It had not been previously curated by ICSL or reported in the Human Gene Mutation Database (HGMD: prior to June 1st, 2018), and was therefore a candidate for classification through an automated scoring system. Utilizing variant allele frequency, disease prevalence and penetrance estimates, and inheritance mode, an automated score was calculated to assess if this variant is too frequent to cause the disease. Based on the score and internal cut-off values, a variant classified as benign is not then subjected to further curation. The score for this variant resulted in a classification of benign for this disease.

NM_002351.5(SH2D1A):c.*257A>T

Gene: SH2D1A (SH2 domain containing 1A; plus strand). Cytogenetic location: Xq25.
Variant type: single nucleotide variant.
Coding change: c.*257A>T on transcript NM_002351.5 (MANE Select); 257 bases downstream of the stop codon, A replaced by T.
Molecular consequence: 3 prime UTR variant.
Genome position (GRCh38, 1-based): chrX:124,371,648, A>T. VCF-style: chrX-124371648-A-T. GRCh37 (hg19) VCF-style: chrX-123505498-A-T.
Other names: c.*257A>T (NM_001114937.3).
Identifiers: ClinVar variation 367877 (VCV000367877.5), dbSNP rs556331824, ClinGen allele CA10645913.